The following is an entry in ClinVar:

NM_001540.5(HSPB1):c.138A>G (p.Leu46=)

Gene: HSPB1 (heat shock protein family B (small) member 1; plus strand). Cytogenetic location: 7q11.23.
Variant type: single nucleotide variant.
Coding change: c.138A>G on transcript NM_001540.5 (MANE Select); coding-DNA position 138, A replaced by G.
Protein change: p.Leu46=; no amino-acid change (leucine 46 retained).
Molecular consequence: synonymous variant.
Genome position (GRCh38, 1-based): chr7:76,302,850, A>G. VCF-style: chr7-76302850-A-G. GRCh37 (hg19) VCF-style: chr7-75932167-A-G.
Identifiers: ClinVar variation 695518 (VCV000695518.11), dbSNP rs757180608, ClinGen allele CA4306266.

ClinVar aggregate classification (germline): Likely benign. Review status: criteria provided, multiple submitters, no conflicts (2 of 4 stars). 2 submissions from 2 submitters: Likely benign (2). Last evaluated 2025-09-25.

Conditions:
HSPB1-related disorder. Also called: HSPB1-related disorders; HSPB1-related condition.
Charcot-Marie-Tooth disease axonal type 2F (CMT2F). Also called: Charcot-Marie-Tooth Neuropathy Type 2F; CHARCOT-MARIE-TOOTH DISEASE, NEURONAL, TYPE 2F. Identifiers: Orphanet 99940, MedGen C1847823, MONDO:0011687, OMIM 606595.

Allele frequency attached by ClinVar (database versions not stated): gnomAD exomes 0.00001 and 0.00005; gnomAD 0.00002; ExAC 0.00005; TOPMed 0.00005.

Submissions (2):

PreventionGenetics, part of Exact Sciences
Classification: Likely benign for HSPB1-related condition. Last evaluated: 2025-09-25. Review status: criteria provided, single submitter. Criteria: ACMG Guidelines, 2015. Collection method: clinical testing. Allele origin: germline.
Comment: This variant is classified as likely benign based on ACMG/AMP sequence variant interpretation guidelines (Richards et al. 2015 PMID: 25741868, with internal and published modifications).

Labcorp Genetics (formerly Invitae), Labcorp
Classification: Likely benign for Charcot-Marie-Tooth disease axonal type 2F. Last evaluated: 2024-11-12. Review status: criteria provided, single submitter. Criteria: Invitae Variant Classification Sherloc (09022015). Collection method: clinical testing. Allele origin: germline.